The following is an entry in ClinVar:

ClinVar aggregate classification (germline): Uncertain significance (1 of 4 stars; one submission).

Conditions:
Hypertrophic cardiomyopathy. Also called: HYPERTROPHIC MYOCARDIOPATHY. Identifiers: Orphanet 217569, MedGen C0007194, MeSH D002312, MONDO:0005045, HP:0001639.

Submission:

Labcorp Genetics (formerly Invitae), Labcorp
Classification: Uncertain significance for Hypertrophic cardiomyopathy. Last evaluated: 2022-02-04. Review status: criteria provided, single submitter. Criteria: Invitae Variant Classification Sherloc (09022015). Collection method: clinical testing. Allele origin: germline.
Comment: In summary, the available evidence is currently insufficient to determine the role of this variant in disease. Therefore, it has been classified as a Variant of Uncertain Significance. Algorithms developed to predict the effect of missense changes on protein structure and function (SIFT, PolyPhen-2, Align-GVGD) all suggest that this variant is likely to be disruptive. ClinVar contains an entry for this variant (Variation ID: 524972). This variant has not been reported in the literature in individuals affected with JPH2-related conditions. This variant is not present in population databases (gnomAD no frequency). This sequence change replaces threonine, which is neutral and polar, with asparagine, which is neutral and polar, at codon 329 of the JPH2 protein (p.Thr329Asn).

NM_020433.5(JPH2):c.986C>A (p.Thr329Asn)

Gene: JPH2 (junctophilin 2; minus strand). Cytogenetic location: 20q13.12.
Variant type: single nucleotide variant.
Coding change: c.986C>A on transcript NM_020433.5 (MANE Select); coding-DNA position 986, C replaced by A.
Protein change: p.Thr329Asn; replaces threonine 329 with asparagine.
Molecular consequence: missense variant.
Genome position (GRCh38, 1-based): chr20:44,159,801, G>T on the plus strand (C>A on the coding strand, the complement: JPH2 is on the minus strand). VCF-style: chr20-44159801-G-T. GRCh37 (hg19) VCF-style: chr20-42788441-G-T.
Other names: short protein forms T329N.
Identifiers: ClinVar variation 524972 (VCV000524972.8), dbSNP rs1555858670, ClinGen allele CA409093246.